The following is an entry in ClinVar:

ClinVar aggregate classification (germline): Uncertain significance (1 of 4 stars; one submission).

Submission:

Labcorp Genetics (formerly Invitae), Labcorp
Classification: Uncertain significance. Last evaluated: 2022-10-17. Review status: criteria provided, single submitter. Criteria: Invitae Variant Classification Sherloc (09022015). Collection method: clinical testing. Allele origin: germline.
Comment: This sequence change replaces cysteine, which is neutral and slightly polar, with arginine, which is basic and polar, at codon 108 of the RP2 protein (p.Cys108Arg). In summary, the available evidence is currently insufficient to determine the role of this variant in disease. Therefore, it has been classified as a Variant of Uncertain Significance. This variant disrupts the p.Cys108 amino acid residue in RP2. Other variant(s) that disrupt this residue have been observed in individuals with RP2-related conditions (PMID: 22334370), which suggests that this may be a clinically significant amino acid residue. Advanced modeling of protein sequence and biophysical properties (such as structural, functional, and spatial information, amino acid conservation, physicochemical variation, residue mobility, and thermodynamic stability) has been performed at Invitae for this missense variant, however the output from this modeling did not meet the statistical confidence thresholds required to predict the impact of this variant on RP2 protein function. ClinVar contains an entry for this variant (Variation ID: 845856). This missense change has been observed in individuals with clinical features of X-linked retinitis pigmentosa (PMID: 31144483; Invitae). This variant is not present in population databases (gnomAD no frequency).

Literature cited by the submitters: PubMed 22334370; PubMed 31144483.

NM_006915.3(RP2):c.322T>C (p.Cys108Arg)

Gene: RP2 (RP2 activator of ARL3 GTPase; plus strand). Cytogenetic location: Xp11.3.
Variant type: single nucleotide variant.
Coding change: c.322T>C on transcript NM_006915.3 (MANE Select); coding-DNA position 322, T replaced by C.
Protein change: p.Cys108Arg; replaces cysteine 108 with arginine.
Molecular consequence: missense variant.
Genome position (GRCh38, 1-based): chrX:46,853,695, T>C. VCF-style: chrX-46853695-T-C. GRCh37 (hg19) VCF-style: chrX-46713130-T-C.
Other names: short protein forms C108R.
Identifiers: ClinVar variation 845856 (VCV000845856.7), dbSNP rs1924901072, ClinGen allele CA413039282.